The following is an entry in ClinVar:

ClinVar aggregate classification (germline): Uncertain significance (1 of 4 stars; one submission).

Conditions:
Cardiovascular phenotype. Identifiers: MedGen CN230736.

Submission:

Ambry Genetics
Classification: Uncertain significance for Cardiovascular phenotype. Last evaluated: 2026-06-25. Review status: criteria provided, single submitter. Criteria: Ambry Variant Classification Scheme 2023. Collection method: clinical testing. Allele origin: germline.
Comment: The p.M58V variant (also known as c.172A>G), located in coding exon 1 of the ZNF469 gene, results from an A to G substitution at nucleotide position 172. The methionine at codon 58 is replaced by valine, an amino acid with highly similar properties. This amino acid position is conserved. In addition, this alteration is predicted to be tolerated by in silico analysis. Based on the available evidence, the clinical significance of this variant remains unclear.

NM_001367624.2(ZNF469):c.172A>G (p.Met58Val)

Gene: ZNF469 (zinc finger protein 469; plus strand). Cytogenetic location: 16q24.2.
Variant type: single nucleotide variant.
Coding change: c.172A>G on transcript NM_001367624.2 (MANE Select); coding-DNA position 172, A replaced by G.
Protein change: p.Met58Val; replaces methionine 58 with valine.
Molecular consequence: missense variant.
Genome position (GRCh38, 1-based): chr16:88,427,642, A>G. VCF-style: chr16-88427642-A-G. GRCh37 (hg19) VCF-style: chr16-88494050-A-G.
Other names: NM_001127464.1:c.172A>G; short protein forms M58V.
Identifiers: ClinVar variation 5032207 (VCV005032207.1).